The following is an entry in ClinVar:

ClinVar aggregate classification (germline): Uncertain significance (1 of 4 stars; one submission).

Conditions:
Familial cold autoinflammatory syndrome 2 (FCAS2). Identifiers: Orphanet 247868, MedGen C2673198, MONDO:0012724, OMIM 611762.

Allele frequency attached by ClinVar (database versions not stated): TOPMed 0.00001.
gnomAD v4.1: 2 of 1,614,038 alleles (0.00012%); highest among the groups gnomAD compares: East Asian, 0.0022%; no homozygotes.

Submission:

Labcorp Genetics (formerly Invitae), Labcorp
Classification: Uncertain significance for Familial cold autoinflammatory syndrome 2. Last evaluated: 2025-08-24. Review status: criteria provided, single submitter. Criteria: Invitae Variant Classification Sherloc (09022015). Collection method: clinical testing. Allele origin: germline.
Comment: This sequence change replaces glutamic acid, which is acidic and polar, with glutamine, which is neutral and polar, at codon 792 of the NLRP12 protein (p.Glu792Gln). This variant is present in population databases (rs753391798, gnomAD 0.006%). This variant has not been reported in the literature in individuals affected with NLRP12-related conditions. ClinVar contains an entry for this variant (Variation ID: 1021924). Invitae Evidence Modeling of protein sequence and biophysical properties (such as structural, functional, and spatial information, amino acid conservation, physicochemical variation, residue mobility, and thermodynamic stability) indicates that this missense variant is not expected to disrupt NLRP12 protein function with a negative predictive value of 80%. In summary, the available evidence is currently insufficient to determine the role of this variant in disease. Therefore, it has been classified as a Variant of Uncertain Significance.

NM_144687.4(NLRP12):c.2374G>C (p.Glu792Gln)

Gene: NLRP12 (NLR family pyrin domain containing 12; minus strand). Cytogenetic location: 19q13.42.
Variant type: single nucleotide variant.
Coding change: c.2374G>C on transcript NM_144687.4 (MANE Select); coding-DNA position 2374, G replaced by C.
Protein change: p.Glu792Gln; replaces glutamic acid 792 with glutamine.
Molecular consequence: missense variant.
Genome position (GRCh38, 1-based): chr19:53,805,320, C>G on the plus strand (G>C on the coding strand, the complement: NLRP12 is on the minus strand). VCF-style: chr19-53805320-C-G. GRCh37 (hg19) VCF-style: chr19-54308574-C-G.
Other names: c.2377G>C, p.Glu793Gln (NM_001277126.2); c.2374G>C, p.Glu792Gln (NM_001277129.1); short protein forms E792Q, E793Q.
Identifiers: ClinVar variation 1021924 (VCV001021924.8), dbSNP rs753391798, ClinGen allele CA9639107.